The following is an entry in ClinVar:

NM_000824.5(GLRB):c.905-3T>C

Gene: GLRB (glycine receptor beta; plus strand). Cytogenetic location: 4q32.1.
Variant type: single nucleotide variant.
Coding change: c.905-3T>C on transcript NM_000824.5 (MANE Select); 3 bases into the intron before coding-DNA position 905, T replaced by C.
Molecular consequence: intron variant.
Genome position (GRCh38, 1-based): chr4:157,152,715, T>C. VCF-style: chr4-157152715-T-C. GRCh37 (hg19) VCF-style: chr4-158073867-T-C.
Other names: c.904+8756T>C (NM_001166061.2); c.905-3T>C (NM_001166060.2).
Identifiers: ClinVar variation 2067589 (VCV002067589.1), dbSNP rs756010168, ClinGen allele CA3119910.
Genomic context (GRCh38, chr4:157,152,715, plus strand): 5'-AATGACCCCAGAACATCTCATAGGGATAAAAAGCAACTTTCATTCCTCTTTCTGTTTCTG[T>C]AGGTATCTTCTCAGTCCTCAGCTTGGCCTCTGAGTGCACAACCCTTGCCGCTGAGCTTCC-3'

ClinVar aggregate classification (germline): Uncertain significance (1 of 4 stars; one submission).

Conditions:
Hyperekplexia 2 (HKPX2). Identifiers: Orphanet 3197, MedGen C3553291, MONDO:0013828, OMIM 614619.

Allele frequency attached by ClinVar (database versions not stated): gnomAD exomes 0.00001; TOPMed 0.00001; ExAC 0.00002.
gnomAD v4.1: 15 of 1,612,228 alleles (0.00093%); highest among the groups gnomAD compares: Admixed American, 0.025%; 1 homozygote.

Submission:

Labcorp Genetics (formerly Invitae), Labcorp
Classification: Uncertain significance for Hyperekplexia 2. Last evaluated: 2021-12-15. Review status: criteria provided, single submitter. Criteria: Invitae Variant Classification Sherloc (09022015). Collection method: clinical testing. Allele origin: germline.
Comment: This sequence change falls in intron 8 of the GLRB gene. It does not directly change the encoded amino acid sequence of the GLRB protein. It affects a nucleotide within the consensus splice site. This variant is present in population databases (rs756010168, gnomAD 0.03%). This variant has not been reported in the literature in individuals affected with GLRB-related conditions. Variants that disrupt the consensus splice site are a relatively common cause of aberrant splicing (PMID: 17576681, 9536098). Algorithms developed to predict the effect of sequence changes on RNA splicing suggest that this variant is not likely to affect RNA splicing. In summary, the available evidence is currently insufficient to determine the role of this variant in disease. Therefore, it has been classified as a Variant of Uncertain Significance.

Literature cited by the submitters: PubMed 17576681; PubMed 9536098.